The following is an entry in ClinVar:

NM_020708.5(SLC12A5):c.1099G>A (p.Val367Met)

Gene: SLC12A5 (solute carrier family 12 member 5; plus strand). Cytogenetic location: 20q13.12.
Variant type: single nucleotide variant.
Coding change: c.1099G>A on transcript NM_020708.5 (MANE Select); coding-DNA position 1099, G replaced by A.
Protein change: p.Val367Met; replaces valine 367 with methionine.
Molecular consequence: missense variant.
Genome position (GRCh38, 1-based): chr20:46,043,185, G>A. VCF-style: chr20-46043185-G-A. GRCh37 (hg19) VCF-style: chr20-44671824-G-A.
Other names: c.1168G>A, p.Val390Met (NM_001134771.2); c.1168G>A (NM_001134771.1); short protein forms V367M, V390M.
Identifiers: ClinVar variation 542317 (VCV000542317.10), dbSNP rs778801242, ClinGen allele CA9887250.

ClinVar aggregate classification (germline): Uncertain significance. Review status: criteria provided, multiple submitters, no conflicts (2 of 4 stars). 3 submissions from 3 submitters: Uncertain significance (3). Last evaluated 2024-01-02.

Conditions:
Developmental and epileptic encephalopathy, 34 (DEE34). Also called: Early infantile epileptic encephalopathy 34; SLC12A5-Related Epilepsy of Infancy with Migrating Focal Seizures. Identifiers: Orphanet 293181, MedGen C4225257, MONDO:0014718, OMIM 616645.
Epilepsy, idiopathic generalized, susceptibility to, 14 (EIG14). Identifiers: MedGen C4225245, MONDO:0014734, OMIM 616685.

Allele frequency attached by ClinVar (database versions not stated): ExAC 0.00002; gnomAD exomes 0.00002; gnomAD 0.00004; TOPMed 0.00005.
gnomAD v4.1: 42 of 1,613,792 alleles (0.0026%); highest among the groups gnomAD compares: Middle Eastern, 0.016%; no homozygotes.

Submissions (3):

Labcorp Genetics (formerly Invitae), Labcorp
Classification: Uncertain significance for Developmental and epileptic encephalopathy, 34. Last evaluated: 2024-01-02. Review status: criteria provided, single submitter. Criteria: Invitae Variant Classification Sherloc (09022015). Collection method: clinical testing. Allele origin: germline.
Comment: This sequence change replaces valine, which is neutral and non-polar, with methionine, which is neutral and non-polar, at codon 367 of the SLC12A5 protein (p.Val367Met). This variant is present in population databases (rs778801242, gnomAD 0.009%). This variant has not been reported in the literature in individuals affected with SLC12A5-related conditions. ClinVar contains an entry for this variant (Variation ID: 542317). Advanced modeling of protein sequence and biophysical properties (such as structural, functional, and spatial information, amino acid conservation, physicochemical variation, residue mobility, and thermodynamic stability) performed at Invitae indicates that this missense variant is not expected to disrupt SLC12A5 protein function with a negative predictive value of 80%. In summary, the available evidence is currently insufficient to determine the role of this variant in disease. Therefore, it has been classified as a Variant of Uncertain Significance.

Ambry Genetics
Classification: Uncertain significance. Last evaluated: 2021-08-13. Review status: criteria provided, single submitter. Criteria: Ambry Variant Classification Scheme 2023. Collection method: clinical testing. Allele origin: germline.

New York Genome Center
Classification: Uncertain significance for Epilepsy, idiopathic generalized, susceptibility to, 14; Developmental and epileptic encephalopathy, 34. Last evaluated: 2021-02-19. Review status: criteria provided, single submitter. Criteria: NYGC Assertion Criteria 2020. Collection method: clinical testing. Allele origin: inherited. Observed: 1 heterozygote. Study: CSER-NYCKidSeq.